The following is an entry in ClinVar:

ClinVar aggregate classification (germline): Pathogenic (1 of 4 stars; one submission).

Conditions:
Neurodevelopmental disorder with hypotonia, brain anomalies, distinctive facies, and absent language. Also called: RNU4-2-Related Neurodevelopmental Disorder; ReNU SYNDROME; RNU4-2–Related Autosomal Dominant Neurodevelopmental Disorder. Identifiers: Orphanet 686488, MedGen C5935628, MONDO:0971172, OMIM 620851.

Submission:

Kasturba Medical College, Manipal, Kasturba Medical College, Manipal, Manipal Academy of Higher Education, Manipal, India
Classification: Pathogenic for Neurodevelopmental disorder with hypotonia, brain anomalies, distinctive facies, and absent language. Last evaluated: 2025-12-09. Review status: criteria provided, single submitter. Criteria: ACMG/ClinGen CNV Guidelines, 2019. Collection method: research. Allele origin: de novo. Inheritance: Autosomal dominant inheritance. Affected: yes.
Comment: This variant is absent in heterozygous and/or homozygous state in gnomAD population database (v4.1.0).

NR_003137.3:n.64_65insT

Gene: RNU4-2 (RNA, U4 small nuclear 2; minus strand).
Variant type: Insertion.
Identifiers: ClinVar variation 4538473 (VCV004538473.1).